The following is an entry in ClinVar:

ClinVar aggregate classification (germline): Uncertain significance. Review status: criteria provided, single submitter (1 of 4 stars). 2 submissions from 1 submitter: Uncertain significance (2). Last evaluated 2017-01-01.

Conditions:
Abnormal cardiovascular system morphology. Also called: Abnormality of cardiovascular system morphology. Identifiers: MedGen C4049796, HP:0030680.
Ciliary dyskinesia, primary, 40. Also called: CILIARY DYSKINESIA, PRIMARY, 40, WITH OR WITHOUT SITUS INVERSUS. Identifiers: MedGen C4749028, MONDO:0032664, OMIM 618300.

Allele frequency attached by ClinVar (database versions not stated): gnomAD 0.00003; gnomAD exomes below 0.00001; TOPMed below 0.00001 and 0.00001.
gnomAD v4.1: 4 of 1,614,156 alleles (0.00025%); highest among the groups gnomAD compares: Non-Finnish European, 0.00034%; no homozygotes.

Submissions (2):

Centre for Mendelian Genomics, University Medical Centre Ljubljana
Classification: Uncertain significance for Abnormal cardiovascular system morphology. Last evaluated: 2017-01-01. Review status: criteria provided, single submitter. Criteria: ACMG Guidelines, 2015. Collection method: clinical testing. Allele origin: unknown. Affected: yes.

Centre for Mendelian Genomics, University Medical Centre Ljubljana
Classification: Uncertain significance for Ciliary dyskinesia, primary, 40. Last evaluated: 2016-01-01. Review status: criteria provided, single submitter. Criteria: ACMG Guidelines, 2015. Collection method: clinical testing. Allele origin: unknown. Affected: yes.
Comment: This variant was classified as: Uncertain significance.

NM_001372.4(DNAH9):c.11666C>G (p.Ser3889Ter)

Gene: DNAH9 (dynein axonemal heavy chain 9; plus strand). Cytogenetic location: 17p12.
Variant type: single nucleotide variant.
Coding change: c.11666C>G on transcript NM_001372.4 (MANE Select); coding-DNA position 11666, C replaced by G.
Protein change: p.Ser3889Ter; replaces serine 3889 with a stop codon.
Molecular consequence: nonsense.
Genome position (GRCh38, 1-based): chr17:11,905,726, C>G. VCF-style: chr17-11905726-C-G. GRCh37 (hg19) VCF-style: chr17-11809043-C-G.
Other names: c.602C>G, p.Ser201Ter (NM_004662.2); short protein forms S3889*, S201*.
Identifiers: ClinVar variation 523436 (VCV000523436.5), dbSNP rs1355800948, ClinGen allele CA398205227.
Genomic context (GRCh38, chr17:11,905,726, plus strand): 5'-TTGTTGAAGAGAAGTTAGGAAGCAAATACGTGGTGGGAAGAGCCCTAGATTTTGCAACCT[C>G]ATTTGAAGAATCGGGACCAGCCACTCCTATGTTTTTCATCCTGTCTCCAGGGGTGGACCC-3'